The following is an entry in ClinVar:

NM_000264.5(PTCH1):c.1069G>C (p.Ala357Pro)

Gene: PTCH1 (patched 1; minus strand). Cytogenetic location: 9q22.32.
Variant type: single nucleotide variant.
Coding change: c.1069G>C on transcript NM_000264.5 (MANE Select); coding-DNA position 1069, G replaced by C.
Protein change: p.Ala357Pro; replaces alanine 357 with proline.
Molecular consequence: missense variant. On other transcripts: non-coding transcript variant (1).
Genome position (GRCh38, 1-based): chr9:95,479,146, C>G on the plus strand (G>C on the coding strand, the complement: PTCH1 is on the minus strand). VCF-style: chr9-95479146-C-G. GRCh37 (hg19) VCF-style: chr9-98241428-C-G.
Other names: c.871G>C, p.Ala291Pro (NM_001083602.3); c.1066G>C, p.Ala356Pro (NM_001083603.3); c.616G>C, p.Ala206Pro (NM_001083604.3, NM_001083605.3, NM_001083606.3 and 1 more transcripts); c.1069G>C, p.Ala357Pro (NM_001354918.2); short protein forms A291P, A206P, A356P, A357P.
Identifiers: ClinVar variation 4146868 (VCV004146868.2).

ClinVar aggregate classification (germline): Uncertain significance (1 of 4 stars; one submission).

Conditions:
Hereditary cancer-predisposing syndrome. Also called: Neoplastic Syndromes, Hereditary; Tumor predisposition; Hereditary Cancer Syndrome; Hereditary neoplastic syndrome. Identifiers: Orphanet 140162, MedGen C0027672, MeSH D009386, MONDO:0015356.

Submission:

Ambry Genetics
Classification: Uncertain significance for Hereditary cancer-predisposing syndrome. Last evaluated: 2026-04-23. Review status: criteria provided, single submitter. Criteria: Ambry Variant Classification Scheme 2023. Collection method: clinical testing. Allele origin: germline.
Comment: The p.A357P variant (also known as c.1069G>C), located in coding exon 8 of the PTCH1 gene, results from a G to C substitution at nucleotide position 1069. The alanine at codon 357 is replaced by proline, an amino acid with highly similar properties. This amino acid position is conserved. In addition, this alteration is predicted to be deleterious by in silico analysis. Based on the available evidence, the clinical significance of this variant remains unclear.